The following is an entry in ClinVar:

NM_021830.5(TWNK):c.1999T>G (p.Cys667Gly)

Gene: TWNK (twinkle mtDNA helicase; plus strand). Cytogenetic location: 10q24.31.
Variant type: single nucleotide variant.
Coding change: c.1999T>G on transcript NM_021830.5 (MANE Select); coding-DNA position 1999, T replaced by G.
Protein change: p.Cys667Gly; replaces cysteine 667 with glycine.
Molecular consequence: missense variant. On other transcripts: 3 prime UTR variant (2), non-coding transcript variant (5).
Genome position (GRCh38, 1-based): chr10:100,993,454, T>G. VCF-style: chr10-100993454-T-G. GRCh37 (hg19) VCF-style: chr10-102753211-T-G.
Other names: c.*294T>G (NM_001163812.2, NM_001163814.2); c.637T>G, p.Cys213Gly (NM_001163813.2, NM_001368275.1); short protein forms C213G, C667G.
Identifiers: ClinVar variation 1367477 (VCV001367477.8), dbSNP rs1013913162, ClinGen allele CA212965509.
Genomic context (GRCh38, chr10:100,993,454, plus strand): 5'-CCAGTGGCCAAAAAGCCCTCTTCTGGCAAAAAGGGGGCTACGACACAGAACTCTGAGATT[T>G]GCTCAGGCCAGGCCCCCACTCCCGACCAGCCAGACACCTCCAAGCGTTCAAAGTGAAGGC-3'
Protein context (NP_068602.2, residues 657-677): KGATTQNSEI[Cys667Gly]SGQAPTPDQP

ClinVar aggregate classification (germline): Uncertain significance (1 of 4 stars; one submission).

Allele frequency attached by ClinVar (database versions not stated): gnomAD 0.00006 and 0.00005; gnomAD exomes below 0.00001; TOPMed 0.00002.
gnomAD v4.1: 11 of 1,614,088 alleles (0.00068%); highest among the groups gnomAD compares: African/African-American, 0.013%; no homozygotes.

Submission:

Labcorp Genetics (formerly Invitae), Labcorp
Classification: Uncertain significance. Last evaluated: 2025-08-04. Review status: criteria provided, single submitter. Criteria: Invitae Variant Classification Sherloc (09022015). Collection method: clinical testing. Allele origin: germline.
Comment: This sequence change replaces cysteine, which is neutral and slightly polar, with glycine, which is neutral and non-polar, at codon 667 of the TWNK protein (p.Cys667Gly). This variant is present in population databases (no rsID available, gnomAD 0.01%). This variant has not been reported in the literature in individuals affected with TWNK-related conditions. ClinVar contains an entry for this variant (Variation ID: 1367477). Invitae Evidence Modeling of protein sequence and biophysical properties (such as structural, functional, and spatial information, amino acid conservation, physicochemical variation, residue mobility, and thermodynamic stability) indicates that this missense variant is not expected to disrupt TWNK protein function with a negative predictive value of 95%. In summary, the available evidence is currently insufficient to determine the role of this variant in disease. Therefore, it has been classified as a Variant of Uncertain Significance.